The following is an entry in ClinVar:

NM_004360.5(CDH1):c.1462C>T (p.Pro488Ser)

Gene: CDH1 (cadherin 1; plus strand). Cytogenetic location: 16q22.1.
Variant type: single nucleotide variant.
Coding change: c.1462C>T on transcript NM_004360.5 (MANE Select); coding-DNA position 1462, C replaced by T.
Protein change: p.Pro488Ser; replaces proline 488 with serine.
Molecular consequence: missense variant. On other transcripts: 5 prime UTR variant (2).
Genome position (GRCh38, 1-based): chr16:68,815,656, C>T. VCF-style: chr16-68815656-C-T. GRCh37 (hg19) VCF-style: chr16-68849559-C-T.
Other names: c.1462C>T (LRG_301t1); c.1279C>T, p.Pro427Ser (NM_001317184.2); c.-87C>T (NM_001317185.2); c.-358C>T (NM_001317186.2); short protein forms P488S, P427S.
Identifiers: ClinVar variation 463718 (VCV000463718.10), dbSNP rs1555516144, ClinGen allele CA396463108.

ClinVar aggregate classification (germline): Uncertain significance. Review status: criteria provided, multiple submitters, no conflicts (2 of 4 stars). 2 submissions from 2 submitters: Uncertain significance (2). Last evaluated 2024-11-19.

Conditions:
Hereditary cancer-predisposing syndrome. Also called: Hereditary neoplastic syndrome; Neoplastic Syndromes, Hereditary; Tumor predisposition; Hereditary Cancer Syndrome. Identifiers: Orphanet 140162, MedGen C0027672, MeSH D009386, MONDO:0015356.
Hereditary diffuse gastric adenocarcinoma (HDGC). Also called: DIFFUSE GASTRIC AND LOBULAR BREAST CANCER SYNDROME. Identifiers: Orphanet 26106, MedGen C1708349, MONDO:0007648, OMIM 137215.

gnomAD v4.1: 1 of 1,614,188 alleles (0.000062%); highest among the groups gnomAD compares: Non-Finnish European, 0.000085%; no homozygotes.

Submissions (2):

Color Diagnostics, LLC DBA Color Health
Classification: Uncertain significance for Hereditary cancer-predisposing syndrome. Last evaluated: 2024-11-19. Review status: criteria provided, single submitter. Criteria: ACMG Guidelines, 2015. Collection method: clinical testing. Allele origin: germline.
Comment: This missense variant replaces proline with serine at codon 488 of the CDH1 protein. To our knowledge, functional studies have not been reported for this variant. This variant has been reported in an individual affected with lobular breast cancer (PMID: 38652475). This variant has been identified in 1/1614188 chromosomes in the general population by the Genome Aggregation Database (gnomAD). The available evidence is insufficient to determine the role of this variant in disease conclusively. Therefore, this variant is classified as a Variant of Uncertain Significance.

Labcorp Genetics (formerly Invitae), Labcorp
Classification: Uncertain significance for Hereditary diffuse gastric adenocarcinoma. Last evaluated: 2017-01-09. Review status: criteria provided, single submitter. Criteria: Invitae Variant Classification Sherloc (09022015). Collection method: clinical testing. Allele origin: germline.
Comment: This sequence change replaces proline with serine at codon 488 of the CDH1 protein (p.Pro488Ser). The proline residue is highly conserved and there is a moderate physicochemical difference between proline and serine. This variant is not present in population databases (ExAC no frequency) and has not been reported in the literature in individuals with a CDH1-related disease. Algorithms developed to predict the effect of missense changes on protein structure and function (SIFT, PolyPhen-2, Align-GVGD) all suggest that this variant is likely to be disruptive, but these predictions have not been confirmed by published functional studies. In summary, this variant is a novel missense change with uncertain impact on protein function. It has been classified as a Variant of Uncertain Significance.

Literature cited by the submitters: PubMed 38652475 (cited by Color Diagnostics, LLC DBA Color Health).